The following is an entry in ClinVar:

ClinVar aggregate classification (germline): Conflicting classifications of pathogenicity. Review status: criteria provided, conflicting classifications (1 of 4 stars). 3 submissions from 3 submitters: Uncertain significance (1); Likely benign (2). Last evaluated 2026-09-02.

Conditions:
SLC4A1-related disorder. Also called: SLC4A1-related condition; SLC4A1-related disorders.

Allele frequency attached by ClinVar (database versions not stated): gnomAD exomes below 0.00001 and 0.00002; gnomAD 0.00001; ExAC 0.00003; TOPMed 0.00003.
gnomAD v4.1: 28 of 1,583,268 alleles (0.0018%); highest among the groups gnomAD compares: East Asian, 0.0068%; no homozygotes.

Submissions (3):

PreventionGenetics, part of Exact Sciences
Classification: Likely benign for SLC4A1-related condition. Last evaluated: 2026-09-02. Review status: criteria provided, single submitter. Criteria: ACMG Guidelines, 2015. Collection method: clinical testing. Allele origin: germline.
Comment: This variant is classified as likely benign based on ACMG/AMP sequence variant interpretation guidelines (Richards et al. 2015 PMID: 25741868, with internal and published modifications).

Labcorp Genetics (formerly Invitae), Labcorp
Classification: Likely benign. Last evaluated: 2025-09-23. Review status: criteria provided, single submitter. Criteria: Invitae Variant Classification Sherloc (09022015). Collection method: clinical testing. Allele origin: germline.

ARUP Laboratories, Molecular Genetics and Genomics, ARUP Laboratories
Classification: Uncertain significance. Last evaluated: 2019-12-19. Review status: criteria provided, single submitter. Criteria: ARUP Molecular Germline Variant Investigation Process. Collection method: clinical testing. Allele origin: germline.

NM_000342.4(SLC4A1):c.2055C>T (p.Thr685=)

Gene: SLC4A1 (solute carrier family 4 member 1 (Diego blood group); minus strand). Cytogenetic location: 17q21.31.
Variant type: single nucleotide variant.
Coding change: c.2055C>T on transcript NM_000342.4 (MANE Select); coding-DNA position 2055, C replaced by T.
Protein change: p.Thr685=; no amino-acid change (threonine 685 retained).
Molecular consequence: synonymous variant.
Genome position (GRCh38, 1-based): chr17:44,254,498, G>A on the plus strand (C>T on the coding strand, the complement: SLC4A1 is on the minus strand). VCF-style: chr17-44254498-G-A. GRCh37 (hg19) VCF-style: chr17-42331866-G-A.
Identifiers: ClinVar variation 746691 (VCV000746691.19), dbSNP rs375136281, ClinGen allele CA8600143.